The following is an entry in ClinVar:

ClinVar aggregate classification (germline): Pathogenic (1 of 4 stars; one submission).

Conditions:
Duchenne muscular dystrophy (DMD). Also called: Duchenne Muscular Dystrophy (DMD); MUSCULAR DYSTROPHY, PSEUDOHYPERTROPHIC PROGRESSIVE, DUCHENNE TYPE. Identifiers: Orphanet 98896, MedGen C0013264, MONDO:0010679, OMIM 310200.

Submission:

Labcorp Genetics (formerly Invitae), Labcorp
Classification: Pathogenic for Duchenne muscular dystrophy. Last evaluated: 2022-07-19. Review status: criteria provided, single submitter. Criteria: Invitae Variant Classification Sherloc (09022015). Collection method: clinical testing. Allele origin: germline.
Comment: For these reasons, this variant has been classified as Pathogenic. This variant disrupts a region of the DMD protein in which other variant(s) (Deletion (Exon 13)) have been determined to be pathogenic (PMID: 18353051, 22379338, 28116794, 28610567). This suggests that this is a clinically significant region of the protein, and that variants that disrupt it are likely to be disease-causing. A similar copy number variant has been observed in individual(s) with Duchenne muscular dystrophy (PMID: 21515508). This variant is a gross deletion of the genomic region encompassing exon(s) 6-41 of the DMD gene. This variant would be expected to be in-frame, preserving the integrity of the reading frame.

Literature cited by the submitters: PubMed 18353051; PubMed 22379338; PubMed 28116794; PubMed 28610567; PubMed 21515508.

NC_000023.10:g.(?_32360197)_(32834777_?)del

Gene: DMD (dystrophin; minus strand). Cytogenetic location: Xp21.1.
Variant type: Deletion.
Identifiers: ClinVar variation 1459585 (VCV001459585.6).